The following is an entry in ClinVar:

NM_207122.2(EXT2):c.1079+1G>C

Gene: EXT2 (exostosin glycosyltransferase 2; plus strand). Cytogenetic location: 11p11.2.
Variant type: single nucleotide variant.
Coding change: c.1079+1G>C on transcript NM_207122.2 (MANE Select); the canonical splice donor site of the intron after coding-DNA position 1079, G replaced by C.
Molecular consequence: splice donor variant.
Genome position (GRCh38, 1-based): chr11:44,126,956, G>C. VCF-style: chr11-44126956-G-C. GRCh37 (hg19) VCF-style: chr11-44148506-G-C.
Other names: c.1079+1G>C (NM_001389630.1, NM_001178083.3, NM_001389628.1); c.1178+1G>C (NM_000401.3).
Identifiers: ClinVar variation 992631 (VCV000992631.3), dbSNP rs1369420640, ClinGen allele CA380169423.
Genomic context (GRCh38, chr11:44,126,956, plus strand): 5'-CCCGGTTGTCATTGCAGACTCCTATATTTTGCCTTTCTCTGAAGTTCTTGACTGGAAGAG[G>C]TGGGTAGTACCTCCTAGTAAACTCTACATTAGTGGTTCTGCGTATATTACAAATAAAATC-3'

ClinVar aggregate classification (germline): Pathogenic (1 of 4 stars; one submission).

Conditions:
Exostoses, multiple, type 2 (EXT2). Also called: Hereditary Multiple Osteochondromatosis, Type II; EXOSTOSES, MULTIPLE, TYPE II. Identifiers: Orphanet 321, MedGen C1851413, MONDO:0007586, OMIM 133701.

Submission:

Service de Biochimie Médicale et Biologie Moléculaire, CHU Clermont-Ferrand
Classification: Pathogenic for Exostoses, multiple, type 2. Last evaluated: 2020-12-29. Review status: criteria provided, single submitter. Criteria: ACMG Guidelines, 2015. Collection method: clinical testing. Allele origin: de novo. Inheritance: Autosomal dominant inheritance. Affected: yes. Observed: 1 heterozygote.
Comment: PVS1+PM2+PP3